The following is an entry in ClinVar:

NM_001283009.2(RTEL1):c.3308C>T (p.Thr1103Ile)

Genes: RTEL1 (regulator of telomere elongation helicase 1; plus strand), RTEL1-TNFRSF6B (RTEL1-TNFRSF6B readthrough (NMD candidate); plus strand). Cytogenetic location: 20q13.33.
Variant type: single nucleotide variant.
Coding change: c.3308C>T on transcript NM_001283009.2 (MANE Select); coding-DNA position 3308, C replaced by T.
Protein change: p.Thr1103Ile; replaces threonine 1103 with isoleucine.
Molecular consequence: missense variant. On other transcripts: non-coding transcript variant (1).
Genome position (GRCh38, 1-based): chr20:63,694,939, C>T. VCF-style: chr20-63694939-C-T. GRCh37 (hg19) VCF-style: chr20-62326292-C-T.
Other names: c.2639C>T, p.Thr880Ile (NM_001283010.1); c.3308C>T, p.Thr1103Ile (NM_016434.4); c.3380C>T, p.Thr1127Ile (NM_032957.5); short protein forms T1103I, T1127I, T880I.
Identifiers: ClinVar variation 4060916 (VCV004060916.3).
Genomic context (GRCh38, chr20:63,694,939, plus strand): 5'-TGACAGCCTATAAGCAAGACGACGACCTCGACAAGGTGCTGGCTGTGTTGGCCGCCCTGA[C>T]CACTGCAAAGCCAGAGGACTTCCCCCTGCTGCACAGCAAGTGGCCCTGGCGTGGGGAACA-3'
Protein context (NP_001269938.1, residues 1093-1113): DKVLAVLAAL[Thr1103Ile]TAKPEDFPLL

ClinVar aggregate classification (germline): Uncertain significance. Review status: criteria provided, multiple submitters, no conflicts (2 of 4 stars). 3 submissions from 3 submitters: Uncertain significance (2). 1 of the submissions does not count toward it. Last evaluated 2026-03-06.

Conditions:
Dyskeratosis congenita, autosomal recessive 5 (DKCB5). Identifiers: MedGen C3554656, MONDO:0014076, OMIM 615190.
Pulmonary fibrosis and/or bone marrow failure, Telomere-related, 3. Also called: PULMONARY FIBROSIS AND/OR BONE MARROW FAILURE SYNDROME, TELOMERE-RELATED, 3. Identifiers: Orphanet 2032, MedGen C4225346, MONDO:0014613, OMIM 616373.
Inborn genetic diseases. Identifiers: MedGen C0950123, MeSH D030342.
Dyskeratosis congenita. Identifiers: Orphanet 1775, MedGen C0265965, MONDO:0015780.

gnomAD v4.1: 3 of 1,612,620 alleles (0.00019%); highest among the groups gnomAD compares: Non-Finnish European, 0.00017%; no homozygotes.

Submissions (3):

Ambry Genetics
Classification: Uncertain significance for Inborn genetic diseases. Last evaluated: 2026-03-06. Review status: criteria provided, single submitter. Criteria: Ambry Variant Classification Scheme 2023. Collection method: clinical testing. Allele origin: germline.
Comment: The p.T1103I variant (also known as c.3308C>T), located in coding exon 31 of the RTEL1 gene, results from a C to T substitution at nucleotide position 3308. The threonine at codon 1103 is replaced by isoleucine, an amino acid with similar properties. This amino acid position is conserved. In addition, the in silico prediction for this alteration is inconclusive. Based on the available evidence, the clinical significance of this variant remains unclear.

Labcorp Genetics (formerly Invitae), Labcorp
Classification: Uncertain significance for Dyskeratosis congenita, autosomal recessive 5; Pulmonary fibrosis and/or bone marrow failure, Telomere-related, 3. Last evaluated: 2026-01-24. Review status: criteria provided, single submitter. Criteria: Invitae Variant Classification Sherloc (09022015). Collection method: clinical testing. Allele origin: germline.
Comment: This sequence change replaces threonine, which is neutral and polar, with isoleucine, which is neutral and non-polar, at codon 1103 of the RTEL1 protein (p.Thr1103Ile). This variant is present in population databases (rs375241519, gnomAD 0.0009%). This variant has not been reported in the literature in individuals affected with RTEL1-related conditions. ClinVar contains an entry for this variant (Variation ID: 4060916). An algorithm developed to predict the effect of missense changes on protein structure and function (PolyPhen-2) suggests that this variant is likely to be disruptive. In summary, the available evidence is currently insufficient to determine the role of this variant in disease. Therefore, it has been classified as a Variant of Uncertain Significance.

Natera, Inc.
Classification: Uncertain significance for Dyskeratosis congenita. Last evaluated: 2025-04-15. Review status: no assertion criteria provided. Collection method: clinical testing. Allele origin: germline. Not counted in ClinVar's aggregate classification.